The following is an entry in ClinVar:

NM_021098.3(CACNA1H):c.4278_4279inv (p.Leu1427Phe)

Gene: CACNA1H (calcium voltage-gated channel subunit alpha1 H; plus strand). Cytogenetic location: 16p13.3.
Variant type: Inversion.
Coding change: c.4278_4279inv on transcript NM_021098.3 (MANE Select).
Protein change: p.Leu1427Phe; replaces leucine 1427 with phenylalanine.
Molecular consequence: missense variant.
Genome position: GRCh38 VCF-style: chr16-1211222-AC-GT. GRCh37 (hg19) VCF-style: chr16-1261222-AC-GT.
Other names: c.4278_4279inv, p.Leu1427Phe (NM_001005407.2); short protein forms L1427F.
Identifiers: ClinVar variation 1392501 (VCV001392501.5), ClinGen allele CA2573151375.

ClinVar aggregate classification (germline): Uncertain significance (1 of 4 stars; one submission).

Conditions:
Hyperaldosteronism, familial, type IV (HALD4). Also called: FH IV; ALDOSTERONISM, PRIMARY, AND HYPERTENSION. Identifiers: Orphanet 642671, MedGen C4310756, MONDO:0014875, OMIM 617027.
Idiopathic generalized epilepsy. Also called: Generalised epilepsy; EIG. Identifiers: MedGen C0270850, MONDO:0005579, OMIM 600669.

Submission:

Labcorp Genetics (formerly Invitae), Labcorp
Classification: Uncertain significance for Idiopathic generalized epilepsy; Hyperaldosteronism, familial, type IV. Last evaluated: 2023-11-27. Review status: criteria provided, single submitter. Criteria: Invitae Variant Classification Sherloc (09022015). Collection method: clinical testing. Allele origin: germline.
Comment: This sequence change replaces leucine, which is neutral and non-polar, with phenylalanine, which is neutral and non-polar, at codon 1427 of the CACNA1H protein (p.Leu1427Phe). Information on the frequency of this variant in the gnomAD database is not available, as this variant may be reported differently in the database. This variant has not been reported in the literature in individuals affected with CACNA1H-related conditions. ClinVar contains an entry for this variant (Variation ID: 1392501). Experimental studies and prediction algorithms are not available or were not evaluated, and the functional significance of this variant is currently unknown. In summary, the available evidence is currently insufficient to determine the role of this variant in disease. Therefore, it has been classified as a Variant of Uncertain Significance.